The following is an entry in ClinVar:

NM_002582.4(PARN):c.1900G>A (p.Glu634Lys)

Gene: PARN (poly(A)-specific ribonuclease; minus strand). Cytogenetic location: 16p13.12.
Variant type: single nucleotide variant.
Coding change: c.1900G>A on transcript NM_002582.4 (MANE Select); coding-DNA position 1900, G replaced by A.
Protein change: p.Glu634Lys; replaces glutamic acid 634 with lysine.
Molecular consequence: missense variant.
Genome position (GRCh38, 1-based): chr16:14,436,737, C>T on the plus strand (G>A on the coding strand, the complement: PARN is on the minus strand). VCF-style: chr16-14436737-C-T. GRCh37 (hg19) VCF-style: chr16-14530594-C-T.
Other names: c.1717G>A, p.Glu573Lys (NM_001134477.3); c.1762G>A, p.Glu588Lys (NM_001242992.2); short protein forms E588K, E634K, E573K.
Identifiers: ClinVar variation 2931340 (VCV002931340.3), dbSNP rs750721134, ClinGen allele CA7911889.

ClinVar aggregate classification (germline): Uncertain significance (1 of 4 stars; one submission).

Conditions:
Dyskeratosis congenita, autosomal recessive 6 (DKCB6). Identifiers: MedGen C4225356, MONDO:0014600, OMIM 616353.
Pulmonary fibrosis and/or bone marrow failure, Telomere-related, 4. Also called: PULMONARY FIBROSIS AND/OR BONE MARROW FAILURE SYNDROME, TELOMERE-RELATED, 4. Identifiers: Orphanet 2032, MedGen C4225347, MONDO:0014612, OMIM 616371.

Allele frequency attached by ClinVar (database versions not stated): gnomAD 0.00001; gnomAD exomes below 0.00001; TOPMed 0.00001; ExAC 0.00004.
gnomAD v4.1: 4 of 1,601,476 alleles (0.00025%); highest among the groups gnomAD compares: African/African-American, 0.0054%; no homozygotes.

Submission:

Labcorp Genetics (formerly Invitae), Labcorp
Classification: Uncertain significance for Dyskeratosis congenita, autosomal recessive 6; Pulmonary fibrosis and/or bone marrow failure, Telomere-related, 4. Last evaluated: 2025-05-27. Review status: criteria provided, single submitter. Criteria: Invitae Variant Classification Sherloc (09022015). Collection method: clinical testing. Allele origin: germline.
Comment: This sequence change replaces glutamic acid, which is acidic and polar, with lysine, which is basic and polar, at codon 634 of the PARN protein (p.Glu634Lys). The frequency data for this variant in the population databases is considered unreliable, as metrics indicate poor data quality at this position in the gnomAD database. This variant has not been reported in the literature in individuals affected with PARN-related conditions. ClinVar contains an entry for this variant (Variation ID: 2931340). An algorithm developed to predict the effect of missense changes on protein structure and function (PolyPhen-2) suggests that this variant is likely to be disruptive. In summary, the available evidence is currently insufficient to determine the role of this variant in disease. Therefore, it has been classified as a Variant of Uncertain Significance.